The following is an entry in ClinVar:

ClinVar aggregate classification (germline): Conflicting classifications of pathogenicity. Review status: criteria provided, conflicting classifications (1 of 4 stars). 17 submissions from 17 submitters: Uncertain significance (1); Benign (1); Likely benign (10). 5 of the submissions do not count toward it. Last evaluated 2026-03-27.

Conditions:
DSG2-related disorder. Also called: DSG2-related condition.
Cardiovascular phenotype. Identifiers: MedGen CN230736.
Arrhythmogenic right ventricular cardiomyopathy (ARVD). Also called: Arrhythmogenic right ventricular dysplasia; Cardiomyopathy, ARVC; Arrhythmogenic cardiomyopathy; Arrhythmogenic Right Ventricular Cardiomyopathy (ARVC). Identifiers: Orphanet 247, MedGen C0349788, MeSH D019571, MONDO:0016587. Disease mechanism: loss of function. Inheritance: Various modes of inheritance.
Cardiomyopathy (CMYO). Also called: Cardiomyopathies. Identifiers: Orphanet 167848, MedGen C0878544, MONDO:0004994, HP:0001638. Inheritance: Various modes of inheritance.
Arrhythmogenic right ventricular dysplasia 10. Also called: Arrhythmogenic Right Ventricular Dysplasia/Cardiomyopathy10; Arrhythmogenic right ventricular dysplasia/cardiomyopathy, type 10; ARRHYTHMOGENIC RIGHT VENTRICULAR DYSPLASIA, FAMILIAL, 10. Identifiers: MedGen C1857777, MONDO:0012434, OMIM 610193.

Allele frequency attached by ClinVar (database versions not stated): gnomAD exomes 0.00012 and 0.00020; gnomAD 0.00015 and 0.00017; 1000 Genomes Project 30x 0.00016; ESP Exome Variant Server 0.00016; 1000 Genomes Project 0.00020; ExAC 0.00022; TOPMed 0.00022.
gnomAD v4.1: 193 of 1,613,992 alleles (0.012%); highest among the groups gnomAD compares: Middle Eastern, 0.033%; no homozygotes.

Submissions (17):

Molecular Diagnostic Laboratory for Inherited Cardiovascular Disease, Montreal Heart Institute
Classification: Likely benign. Last evaluated: 2026-03-27. Review status: criteria provided, single submitter. Criteria: ACMG Guidelines, 2015. Collection method: clinical testing. Allele origin: germline. Affected: no.
Comment: BP7

Labcorp Genetics (formerly Invitae), Labcorp
Classification: Likely benign for Arrhythmogenic right ventricular dysplasia 10. Last evaluated: 2025-12-21. Review status: criteria provided, single submitter. Criteria: Invitae Variant Classification Sherloc (09022015). Collection method: clinical testing. Allele origin: germline.

Blueprint Genetics
Classification: Likely benign. Last evaluated: 2024-11-25. Review status: criteria provided, single submitter. Criteria: ACMG Guidelines, 2015. Collection method: clinical testing. Allele origin: germline.

CeGaT Center for Human Genetics Tuebingen
Classification: Likely benign. Last evaluated: 2024-07-01. Review status: criteria provided, single submitter. Criteria: CeGaT Center For Human Genetics Tuebingen Variant Classification Criteria Version 2. Collection method: clinical testing. Allele origin: germline. Affected: yes. Observed: 2 variant alleles.
Comment: DSG2: BP4, BP7

All of Us Research Program, National Institutes of Health
Classification: Likely benign for Arrhythmogenic right ventricular cardiomyopathy. Last evaluated: 2024-02-05. Review status: criteria provided, single submitter. Criteria: ACMG Guidelines, 2015. Collection method: clinical testing. Allele origin: germline. Inheritance: Autosomal dominant inheritance. Observed: 40 variant alleles, 40 heterozygotes.
Comment: This study involves interpretation of variants in research participants for the purpose of population health screening. Participant phenotype was not available at the time of variant classification. Additional details can be found in publication PMID: 35346344, PMCID: PMC8962531

GeneDx
Classification: Likely benign. Last evaluated: 2021-04-21. Review status: criteria provided, single submitter. Criteria: GeneDx Variant Classification Process June 2021. Collection method: clinical testing. Allele origin: germline. Affected: yes.

Women's Health and Genetics/Laboratory Corporation of America, LabCorp
Classification: Likely benign. Last evaluated: 2021-01-28. Review status: criteria provided, single submitter. Criteria: LabCorp Variant Classification Summary - May 2015. Collection method: clinical testing. Allele origin: germline.

Color Diagnostics, LLC DBA Color Health
Classification: Likely benign for Cardiomyopathy. Last evaluated: 2018-10-16. Review status: criteria provided, single submitter. Criteria: ACMG Guidelines, 2015. Collection method: clinical testing. Allele origin: germline.

Illumina Laboratory Services, Illumina
Classification: Uncertain significance for Arrhythmogenic right ventricular dysplasia 10. Last evaluated: 2018-01-13. Review status: criteria provided, single submitter. Criteria: ICSL Variant Classification Criteria 13 December 2019. Collection method: clinical testing. Allele origin: germline.

CHEO Genetics Diagnostic Laboratory, Children's Hospital of Eastern Ontario
Classification: Benign for Cardiomyopathy. Last evaluated: 2017-12-21. Review status: criteria provided, single submitter. Criteria: ACMG Guidelines, 2015. Collection method: clinical testing. Allele origin: germline.

Ambry Genetics
Classification: Likely benign for Cardiovascular phenotype. Last evaluated: 2016-05-26. Review status: criteria provided, single submitter. Criteria: Ambry Variant Classification Scheme 2023. Collection method: clinical testing. Allele origin: germline.

Laboratory for Molecular Medicine, Mass General Brigham Personalized Medicine
Classification: Likely benign. Last evaluated: 2012-08-09. Review status: criteria provided, single submitter. Criteria: LMM Criteria. Collection method: clinical testing. Allele origin: germline. Observed: 3 variant alleles.
Comment: Leu617Leu in exon 12 of DSG2: This variant is not expected to have clinical sign ificance because it does not alter an amino acid residue and is not located with in the splice consensus sequence. It has been identified in 2/8470 European Amer ican chromosomes from a broad population by the NHLBI Exome Sequencing Project. Leu617Leu in exon 12 of DSG2 (allele frequ ency = 2/8740) **

PreventionGenetics, part of Exact Sciences
Classification: Likely benign for DSG2-related condition. Last evaluated: 2019-08-01. Review status: no assertion criteria provided. Collection method: clinical testing. Allele origin: germline. Not counted in ClinVar's aggregate classification.
Comment: This variant is classified as likely benign based on ACMG/AMP sequence variant interpretation guidelines (Richards et al. 2015 PMID: 25741868, with internal and published modifications).

Clinical Genetics DNA and cytogenetics Diagnostics Lab, Erasmus MC, Erasmus Medical Center
Classification: Likely benign. Review status: no assertion criteria provided. Collection method: clinical testing. Allele origin: germline. Affected: yes. Study: VKGL Data-share Consensus. Not counted in ClinVar's aggregate classification.

Clinical Genetics, Academic Medical Center
Classification: Benign. Review status: no assertion criteria provided. Collection method: clinical testing. Allele origin: germline. Affected: yes. Study: VKGL Data-share Consensus. Not counted in ClinVar's aggregate classification.

Genome Diagnostics Laboratory, University Medical Center Utrecht
Classification: Likely benign. Review status: no assertion criteria provided. Collection method: clinical testing. Allele origin: germline. Affected: yes. Study: VKGL Data-share Consensus. Not counted in ClinVar's aggregate classification.

Joint Genome Diagnostic Labs from Nijmegen and Maastricht, Radboudumc and MUMC+
Classification: Likely benign. Review status: no assertion criteria provided. Collection method: clinical testing. Allele origin: germline. Affected: yes. Study: VKGL Data-share Consensus. Not counted in ClinVar's aggregate classification.

NM_001943.5(DSG2):c.1851C>T (p.Leu617=)

Gene: DSG2 (desmoglein 2; plus strand). Cytogenetic location: 18q12.1.
Variant type: single nucleotide variant.
Coding change: c.1851C>T on transcript NM_001943.5 (MANE Select); coding-DNA position 1851, C replaced by T.
Protein change: p.Leu617=; no amino-acid change (leucine 617 retained).
Molecular consequence: synonymous variant.
Genome position (GRCh38, 1-based): chr18:31,538,950, C>T. VCF-style: chr18-31538950-C-T. GRCh37 (hg19) VCF-style: chr18-29118913-C-T.
Identifiers: ClinVar variation 44289 (VCV000044289.57), dbSNP rs202057770, ClinGen allele CA021593.